The following is an entry in ClinVar:

NM_007294.4(BRCA1):c.2396del (p.Asn799fs)

Gene: BRCA1 (BRCA1 DNA repair associated; minus strand). Cytogenetic location: 17q21.31.
Variant type: Deletion.
Coding change: c.2396del on transcript NM_007294.4 (MANE Select); coding-DNA position 2396, one base deleted (A; older notation c.2396delA).
Protein change: p.Asn799fs; shifts the reading frame from asparagine 799.
Molecular consequence: frameshift variant. On other transcripts: intron variant (137).
Genome position (GRCh38, 1-based): chr17:43,093,135, T deleted on the plus strand (A on the coding strand, the reverse complement: BRCA1 is on the minus strand); the first of 3 consecutive T bases (chr17:43,093,135-43,093,137); deleting any one gives the same sequence. VCF-style (leftmost placement, unchanged base first): chr17-43093134-AT-A. GRCh37 (hg19) VCF-style: chr17-41245151-AT-A.
Other names: 2515delA; c.2396delA (NM_007294.3, NM_007294.4); c.2255del, p.Asn752fs (NM_001407729.1, NM_001407730.1, NM_001407731.1 and 29 more transcripts); c.2252del, p.Asn751fs (NM_001407740.1, NM_001407741.1, NM_001407742.1 and 20 more transcripts); c.2183del, p.Asn728fs (NM_001407853.1, NM_001407894.1, NM_001407895.1 and 9 more transcripts); c.2396del, p.Asn799fs (NM_001407854.1, NM_001407858.1, NM_001407859.1 and 30 more transcripts); c.2393del, p.Asn798fs (NM_001407860.1, NM_001407861.1, NM_001407587.1 and 22 more transcripts); c.2195del, p.Asn732fs (NM_001407862.1); and 44 more; short protein forms N752fs, N799fs, N503fs, N687fs, N688fs, N710fs, N711fs, N757fs.
Identifiers: ClinVar variation 266258 (VCV000266258.11), dbSNP rs886040033, ClinGen allele CA10589856.

ClinVar aggregate classification (germline): Pathogenic. Review status: reviewed by expert panel (3 of 4 stars). 4 submissions from 4 submitters: Pathogenic (1). 3 of the submissions do not count toward it. Last evaluated 2016-10-18.

Conditions:
Hereditary breast ovarian cancer syndrome. Also called: Hereditary breast and ovarian cancer syndrome (HBOC); Breast and ovarian cancer; Hereditary breast and ovarian cancer syndrome; Hereditary breast and ovarian cancer; BRCA1- and BRCA2-Associated Hereditary Breast and Ovarian Cancer; Hereditary breast and/or ovarian cancer syndrome. Identifiers: Orphanet 145, MedGen C0677776, MeSH D061325, MONDO:0003582. Disease mechanism: loss of function.
Breast-ovarian cancer, familial, susceptibility to, 1 (BROVCA1). Also called: BRCA1 Hereditary Breast and Ovarian Cancer; OVARIAN CANCER, SUSCEPTIBILITY TO. Identifiers: Orphanet 145, MedGen C2676676, MONDO:0011450, OMIM 604370. Disease mechanism: loss of function.

Submissions (4):

Evidence-based Network for the Interpretation of Germline Mutant Alleles (ENIGMA)
Classification: Pathogenic for Breast-ovarian cancer, familial, susceptibility to, 1. Last evaluated: 2016-10-18. Review status: reviewed by expert panel. Criteria: ENIGMA BRCA1/2 Classification Criteria (2015). Collection method: curation. Allele origin: germline.
Comment: Variant allele predicted to encode a truncated non-functional protein.

Women's Health and Genetics/Laboratory Corporation of America, LabCorp
Classification: Pathogenic for Hereditary breast ovarian cancer syndrome. Last evaluated: 2025-08-25. Review status: criteria provided, single submitter. Criteria: LabCorp Variant Classification Summary - May 2015. Collection method: clinical testing. Allele origin: germline. Not counted in ClinVar's aggregate classification.
Comment: Variant summary: BRCA1 c.2396delA (p.Asn799IlefsX4) results in a premature termination codon, predicted to cause a truncation of the encoded protein or absence of the protein due to nonsense mediated decay, which are commonly known mechanisms for disease. The variant was absent in 250444 control chromosomes. c.2396delA has been observed in individual(s) affected with Hereditary Breast And Ovarian Cancer Syndrome (example: Rebbeck_2018). The following publication has been ascertained in the context of this evaluation (PMID: 29446198). ClinVar contains an entry for this variant (Variation ID: 266258). Based on the evidence outlined above, the variant was classified as pathogenic.

Labcorp Genetics (formerly Invitae), Labcorp
Classification: Pathogenic for Hereditary breast ovarian cancer syndrome. Last evaluated: 2022-08-08. Review status: criteria provided, single submitter. Criteria: Invitae Variant Classification Sherloc (09022015). Collection method: clinical testing. Allele origin: germline. Not counted in ClinVar's aggregate classification.
Comment: For these reasons, this variant has been classified as Pathogenic. ClinVar contains an entry for this variant (Variation ID: 266258). This premature translational stop signal has been observed in individual(s) with clinical features of BRCA1-related conditions (PMID: 29446198). This variant is not present in population databases (gnomAD no frequency). This sequence change creates a premature translational stop signal (p.Asn799Ilefs*4) in the BRCA1 gene. It is expected to result in an absent or disrupted protein product. Loss-of-function variants in BRCA1 are known to be pathogenic (PMID: 20104584).

Consortium of Investigators of Modifiers of BRCA1/2 (CIMBA), c/o University of Cambridge
Classification: Pathogenic for Breast-ovarian cancer, familial, susceptibility to, 1. Last evaluated: 2015-10-02. Review status: criteria provided, single submitter. Criteria: CIMBA Mutation Classification guidelines May 2016. Collection method: clinical testing. Allele origin: germline. Not counted in ClinVar's aggregate classification.

Literature cited by the submitters: PubMed 29446198 (cited by Women's Health and Genetics/Laboratory Corporation of America, LabCorp and Labcorp Genetics (formerly Invitae), Labcorp); PubMed 20104584 (cited by Labcorp Genetics (formerly Invitae), Labcorp).